The following is an entry in ClinVar:

ClinVar aggregate classification (germline): Uncertain significance (1 of 4 stars; one submission).

Conditions:
Mucopolysaccharidosis, MPS-II (MPS2). Also called: IDS deficiency; Sulfoiduronate sulfatase deficiency; SIDS deficiency; Mucopolysaccharidosis type 2; Hunter Syndrome; IDURONATE 2-SULFATASE DEFICIENCY. Identifiers: Orphanet 580, Orphanet 79388, MedGen C0026705, MONDO:0010674, OMIM 309900.

Submission:

Labcorp Genetics (formerly Invitae), Labcorp
Classification: Uncertain significance for Mucopolysaccharidosis, MPS-II. Last evaluated: 2020-09-16. Review status: criteria provided, single submitter. Criteria: Invitae Variant Classification Sherloc (09022015). Collection method: clinical testing. Allele origin: germline.
Comment: In summary, the available evidence is currently insufficient to determine the role of this variant in disease. Therefore, it has been classified as a Variant of Uncertain Significance. Advanced modeling of protein sequence and biophysical properties (such as structural, functional, and spatial information, amino acid conservation, physicochemical variation, residue mobility, and thermodynamic stability) performed at Invitae indicates that this missense variant is expected to disrupt IDS protein function. This variant has not been reported in the literature in individuals with IDS-related conditions. This variant is not present in population databases (ExAC no frequency). This sequence change replaces tyrosine with aspartic acid at codon 300 of the IDS protein (p.Tyr300Asp). The tyrosine residue is highly conserved and there is a large physicochemical difference between tyrosine and aspartic acid.

NM_000202.8(IDS):c.898T>G (p.Tyr300Asp)

Genes: IDS (iduronate 2-sulfatase; minus strand), LOC106050102 (IDS recombination region; plus strand). Cytogenetic location: Xq28.
Variant type: single nucleotide variant.
Coding change: c.898T>G on transcript NM_000202.8 (MANE Select); coding-DNA position 898, T replaced by G.
Protein change: p.Tyr300Asp; replaces tyrosine 300 with aspartic acid.
Molecular consequence: missense variant. On other transcripts: non-coding transcript variant (1).
Genome position (GRCh38, 1-based): chrX:149,490,422, A>C on the plus strand (T>G on the coding strand, the complement: IDS is on the minus strand). VCF-style: chrX-149490422-A-C. GRCh37 (hg19) VCF-style: chrX-148571953-A-C.
Other names: c.628T>G, p.Tyr210Asp (NM_001166550.4); c.898T>G, p.Tyr300Asp (NM_006123.5); short protein forms Y210D, Y300D.
Identifiers: ClinVar variation 1001594 (VCV001001594.8), dbSNP rs2089380312, ClinGen allele CA414520445.
Genomic context (GRCh38, chrX:149,490,422, plus strand): 5'-CGTCCAAAGCACTCAAGAGGCGGCCGACCTGTGTATCCAAATATGACACAGAGGCAAAGT[A>C]GCTCTGGCGGATTTTCCGCTGCAAATTGAAAAAAAATAAAAATGAGAGTGACTGCAATTT-3'
Protein context (NP_000193.1, residues 290-310): VDFQRKIRQS[Tyr300Asp]FASVSYLDTQ